The following is an entry in ClinVar:

ClinVar aggregate classification (germline): Likely benign (0 of 4 stars; one submission).

Conditions:
DNMT3A-related disorder. Also called: DNMT3A-related disorders; DNMT3A-related condition.

Submission:

PreventionGenetics, part of Exact Sciences
Classification: Likely benign for DNMT3A-related condition. Last evaluated: 2023-01-26. Review status: no assertion criteria provided. Collection method: clinical testing. Allele origin: germline.
Comment: This variant is classified as likely benign based on ACMG/AMP sequence variant interpretation guidelines (Richards et al. 2015 PMID: 25741868, with internal and published modifications).

NM_022552.5(DNMT3A):c.640-3813G>T

Genes: DNMT3A (DNA methyltransferase 3 alpha; minus strand), LOC129933288 (ATAC-STARR-seq lymphoblastoid silent region 11249; plus strand). Cytogenetic location: 2p23.3.
Variant type: single nucleotide variant.
Coding change: c.640-3813G>T on transcript NM_022552.5 (MANE Select); 3813 bases into the intron before coding-DNA position 640, G replaced by T.
Molecular consequence: intron variant. On other transcripts: synonymous variant (1).
Genome position (GRCh38, 1-based): chr2:25,252,065, C>A on the plus strand (G>T on the coding strand, the complement: DNMT3A is on the minus strand). VCF-style: chr2-25252065-C-A. GRCh37 (hg19) VCF-style: chr2-25474934-C-A.
Other names: c.30G>T, p.Ala10= (NM_001320893.1); c.640-3813G>T (NM_175629.2); c.4+129G>T (NM_153759.3); c.-31+129G>T (NM_001375819.1).
Identifiers: ClinVar variation 3351454 (VCV003351454.1).
Genomic context (GRCh38, chr2:25,252,065, plus strand): 5'-GGCAGGAAGGCGGCGGGCCAGCACTAAGTCAGCATCTCCAGAACTCGGGCCAGGCCGGGA[C>A]GCCGCGGCTGCTGCGGGCCGGGGAGGCATACTTCACTCTTTTCAAACCCGGAGGGCTGCG-3'